The following is an entry in ClinVar:

ClinVar aggregate classification (germline): Uncertain significance. Review status: criteria provided, multiple submitters, no conflicts (2 of 4 stars). 3 submissions from 3 submitters: Uncertain significance (3). Last evaluated 2026-04-03.

Conditions:
MYPN-related disorder. Also called: MYPN-related condition.
Cardiovascular phenotype. Identifiers: MedGen CN230736.
Dilated cardiomyopathy 1KK (CMD1KK). Identifiers: Orphanet 154, Orphanet 75249, MedGen C3714995, MONDO:0014100, OMIM 615248.

Allele frequency attached by ClinVar (database versions not stated): gnomAD exomes below 0.00001; ExAC 0.00001.
gnomAD v4.1: 4 of 1,613,540 alleles (0.00025%); highest among the groups gnomAD compares: Admixed American, 0.0067%; no homozygotes.

Submissions (3):

PreventionGenetics, part of Exact Sciences
Classification: Uncertain significance for MYPN-related condition. Last evaluated: 2026-04-03. Review status: criteria provided, single submitter. Criteria: ACMG Guidelines, 2015. Collection method: clinical testing. Allele origin: germline.
Comment: The MYPN c.3805C>G variant is predicted to result in the amino acid substitution p.His1269Asp. To our knowledge, this variant has not been reported in the literature. This variant is reported in 0.0029% of alleles in individuals of Latino descent in gnomAD. At this time, the clinical significance of this variant is uncertain due to the absence of conclusive functional and genetic evidence.

Ambry Genetics
Classification: Uncertain significance for Cardiovascular phenotype. Last evaluated: 2024-11-20. Review status: criteria provided, single submitter. Criteria: Ambry Variant Classification Scheme 2023. Collection method: clinical testing. Allele origin: germline.

Labcorp Genetics (formerly Invitae), Labcorp
Classification: Uncertain significance for Dilated cardiomyopathy 1KK. Last evaluated: 2022-04-12. Review status: criteria provided, single submitter. Criteria: Invitae Variant Classification Sherloc (09022015). Collection method: clinical testing. Allele origin: germline.
Comment: This sequence change replaces histidine, which is basic and polar, with aspartic acid, which is acidic and polar, at codon 1269 of the MYPN protein (p.His1269Asp). This variant is present in population databases (rs746600159, gnomAD 0.003%). This variant has not been reported in the literature in individuals affected with MYPN-related conditions. Algorithms developed to predict the effect of missense changes on protein structure and function (SIFT, PolyPhen-2, Align-GVGD) all suggest that this variant is likely to be tolerated. In summary, the available evidence is currently insufficient to determine the role of this variant in disease. Therefore, it has been classified as a Variant of Uncertain Significance.

NM_032578.4(MYPN):c.3805C>G (p.His1269Asp)

Gene: MYPN (myopalladin; plus strand). Cytogenetic location: 10q21.3.
Variant type: single nucleotide variant.
Coding change: c.3805C>G on transcript NM_032578.4 (MANE Select); coding-DNA position 3805, C replaced by G.
Protein change: p.His1269Asp; replaces histidine 1269 with aspartic acid.
Molecular consequence: missense variant. On other transcripts: non-coding transcript variant (2).
Genome position (GRCh38, 1-based): chr10:68,210,297, C>G. VCF-style: chr10-68210297-C-G. GRCh37 (hg19) VCF-style: chr10-69970054-C-G.
Other names: c.3805C>G, p.His1269Asp (NM_001256267.2); c.2923C>G, p.His975Asp (NM_001256268.2); c.3805C>G (NM_032578.2, NM_032578.3); short protein forms H975D, H1269D.
Identifiers: ClinVar variation 1394593 (VCV001394593.5), dbSNP rs746600159, ClinGen allele CA5523167.